The following is an entry in ClinVar:

ClinVar aggregate classification (germline): Likely pathogenic (1 of 4 stars; one submission).

Conditions:
Sotos syndrome (SOTOS). Also called: Sotos' syndrome; Distinctive facial appearance, overgrowth in childhood, and learning disabilities or delayed development; CHROMOSOME 5q35 DELETION SYNDROME; SOTOS SYNDROME 1; CEREBRAL GIGANTISM. Identifiers: Orphanet 821, MedGen C0175695, MONDO:0019349, OMIM 117550.

Submission:

Laboratory of Cytogenetics, Molecular Genetics and Reproductive Biology, Farhat Hached University Hospital
Classification: Likely pathogenic for Sotos syndrome. Last evaluated: 2025-12-12. Review status: criteria provided, single submitter. Criteria: ACMG/ClinGen CNV Guidelines, 2019. Collection method: clinical testing. Allele origin: de novo. Affected: yes.
Comment: NSD1 haploinsufficiency is a well-established mechanism underlying Sotos syndrome. Based on the predicted impact on gene function and the known gene-disease association, this variant was classified as Likely Pathogenic.

GRCh37/hg19 5q35.2-35.3(chr5:176558799-176727214)x1

Gene: NSD1 (nuclear receptor binding SET domain protein 1; plus strand). Cytogenetic location: 5q35.2-35.3.
Variant type: copy number loss.
Change: copy number 1 (one copy instead of two) of chr5:176,558,799-176,727,214 (168.4 kb, GRCh37 coordinates, 1-based), cytogenetic band 5q35.2-35.3.
Identifiers: ClinVar variation 4852455 (VCV004852455.1).